The following is an entry in ClinVar:

NM_001005273.3(CHD3):c.4078C>G (p.Gln1360Glu)

Gene: CHD3 (chromodomain helicase DNA binding protein 3; plus strand). Cytogenetic location: 17p13.1.
Variant type: single nucleotide variant.
Coding change: c.4078C>G on transcript NM_001005273.3 (MANE Select); coding-DNA position 4078, C replaced by G.
Protein change: p.Gln1360Glu; replaces glutamine 1360 with glutamic acid.
Molecular consequence: missense variant.
Genome position (GRCh38, 1-based): chr17:7,905,105, C>G. VCF-style: chr17-7905105-C-G. GRCh37 (hg19) VCF-style: chr17-7808423-C-G.
Other names: c.4255C>G, p.Gln1419Glu (NM_001005271.3); c.4078C>G, p.Gln1360Glu (NM_005852.4); short protein forms Q1360E, Q1419E.
Identifiers: ClinVar variation 2311505 (VCV002311505.3), dbSNP rs2545045212, ClinGen allele CA397944765.
Genomic context (GRCh38, chr17:7,905,105, plus strand): 5'-CATGGGCATATCCCGAGAGCCCTCCCTGACCACTGGGCCCTTTCCACCCCCACAGACAAC[C>G]AGTCAGAGTACTCGGTGGGTTCAGAGGAGGAGGATGAAGACTTCGATGAACGTCCTGAAG-3'
Protein context (NP_001005273.1, residues 1350-1370): NDAAQEDQDN[Gln1360Glu]SEYSVGSEEE

ClinVar aggregate classification (germline): Uncertain significance. Review status: criteria provided, multiple submitters, no conflicts (2 of 4 stars). 2 submissions from 2 submitters: Uncertain significance (2). Last evaluated 2024-04-17.

Conditions:
Inborn genetic diseases. Identifiers: MedGen C0950123, MeSH D030342.

Allele frequency attached by ClinVar (database versions not stated): gnomAD exomes below 0.00001.
gnomAD v4.1: 1 of 1,614,160 alleles (0.000062%); highest among the groups gnomAD compares: Non-Finnish European, 0.000085%; no homozygotes.

Submissions (2):

GeneDx
Classification: Uncertain significance. Last evaluated: 2024-04-17. Review status: criteria provided, single submitter. Criteria: GeneDx Variant Classification Process June 2021. Collection method: clinical testing. Allele origin: germline. Affected: yes.
Comment: Not observed at significant frequency in large population cohorts (gnomAD); In silico analysis indicates that this missense variant does not alter protein structure/function; Has not been previously published as pathogenic or benign to our knowledge

Ambry Genetics
Classification: Uncertain significance for Inborn genetic diseases. Last evaluated: 2022-09-14. Review status: criteria provided, single submitter. Criteria: Ambry Variant Classification Scheme 2023. Collection method: clinical testing. Allele origin: germline.